The following is an entry in ClinVar:

NM_152564.5(VPS13B):c.1651+5del

Gene: VPS13B (vacuolar protein sorting 13 homolog B; plus strand). Cytogenetic location: 8q22.2.
Variant type: Deletion.
Coding change: c.1651+5del on transcript NM_152564.5 (MANE Select); 5 bases into the intron after coding-DNA position 1651, one base deleted (T; older notation c.1651+5delT).
Molecular consequence: intron variant.
Genome position (GRCh38, 1-based): chr8:99,136,757, T deleted; the last of 2 consecutive T bases (chr8:99,136,756-99,136,757); deleting either gives the same sequence. VCF-style (leftmost placement, unchanged base first): chr8-99136755-AT-A. GRCh37 (hg19) VCF-style: chr8-100148983-AT-A.
Other names: c.1651+5del (NM_017890.5, NM_015243.3); c.1651+5delT (NM_152564.4).
Identifiers: ClinVar variation 1443393 (VCV001443393.5), dbSNP rs779435450, ClinGen allele CA4822696.

ClinVar aggregate classification (germline): Uncertain significance. Review status: criteria provided, single submitter (1 of 4 stars). 2 submissions from 2 submitters: Uncertain significance (1). 1 of the submissions does not count toward it. Last evaluated 2022-04-19.

Conditions:
Cohen syndrome (COH1). Also called: Cutis verticis gyrata, retinitis pigmentosa, and sensorineural deafness; PEPPER SYNDROME. Identifiers: Orphanet 193, MedGen C0265223, MONDO:0008999, OMIM 216550.
VPS13B-related disorder. Also called: VPS13B-related condition.

Submissions (2):

Labcorp Genetics (formerly Invitae), Labcorp
Classification: Uncertain significance for Cohen syndrome. Last evaluated: 2022-04-19. Review status: criteria provided, single submitter. Criteria: Invitae Variant Classification Sherloc (09022015). Collection method: clinical testing. Allele origin: germline.
Comment: This sequence change falls in intron 12 of the VPS13B gene. It does not directly change the encoded amino acid sequence of the VPS13B protein. It affects a nucleotide within the consensus splice site. This variant is present in population databases (rs779435450, gnomAD 0.01%). This variant has not been reported in the literature in individuals affected with VPS13B-related conditions. Variants that disrupt the consensus splice site are a relatively common cause of aberrant splicing (PMID: 17576681, 9536098). Algorithms developed to predict the effect of sequence changes on RNA splicing suggest that this variant is not likely to affect RNA splicing. In summary, the available evidence is currently insufficient to determine the role of this variant in disease. Therefore, it has been classified as a Variant of Uncertain Significance.

PreventionGenetics, part of Exact Sciences
Classification: Likely benign for VPS13B-related condition. Last evaluated: 2021-11-02. Review status: no assertion criteria provided. Collection method: clinical testing. Allele origin: germline. Not counted in ClinVar's aggregate classification.
Comment: This variant is classified as likely benign based on ACMG/AMP sequence variant interpretation guidelines (Richards et al. 2015 PMID: 25741868, with internal and published modifications).

Literature cited by the submitters: PubMed 17576681 (cited by Labcorp Genetics (formerly Invitae), Labcorp); PubMed 9536098 (cited by Labcorp Genetics (formerly Invitae), Labcorp).